The following is an entry in ClinVar:

NM_007144.3(PCGF2):c.943G>A (p.Gly315Arg)

Genes: PCGF2 (polycomb group ring finger 2; minus strand), CISD3 (CDGSH iron sulfur domain 3; plus strand). Cytogenetic location: 17q12.
Variant type: single nucleotide variant.
Coding change: c.943G>A on transcript NM_007144.3 (MANE Select); coding-DNA position 943, G replaced by A.
Protein change: p.Gly315Arg; replaces glycine 315 with arginine.
Molecular consequence: missense variant. On other transcripts: 3 prime UTR variant (1).
Genome position (GRCh38, 1-based): chr17:38,735,315, C>T on the plus strand (G>A on the coding strand, the complement: PCGF2 is on the minus strand). VCF-style: chr17-38735315-C-T. GRCh37 (hg19) VCF-style: chr17-36891568-C-T.
Other names: c.*1860C>T (NM_001136498.2); c.943G>A, p.Gly315Arg (NM_001369614.1, NM_001369615.1); c.943G>A (NM_007144.2); short protein forms G315R.
Identifiers: ClinVar variation 2909809 (VCV002909809.4), dbSNP rs746445618, ClinGen allele CA8524848.

ClinVar aggregate classification (germline): Uncertain significance. Review status: criteria provided, multiple submitters, no conflicts (2 of 4 stars). 2 submissions from 2 submitters: Uncertain significance (2). Last evaluated 2025-08-07.

Conditions:
Inborn genetic diseases. Identifiers: MedGen C0950123, MeSH D030342.

Allele frequency attached by ClinVar (database versions not stated): gnomAD exomes 0.00001; gnomAD 0.00002; TOPMed 0.00002; ExAC 0.00007.
gnomAD v4.1: 9 of 1,535,016 alleles (0.00059%); highest among the groups gnomAD compares: Non-Finnish European, 0.00079%; no homozygotes.

Submissions (2):

Ambry Genetics
Classification: Uncertain significance for Inborn genetic diseases. Last evaluated: 2025-08-07. Review status: criteria provided, single submitter. Criteria: Ambry Variant Classification Scheme 2023. Collection method: clinical testing. Allele origin: germline.

Labcorp Genetics (formerly Invitae), Labcorp
Classification: Uncertain significance. Last evaluated: 2024-01-12. Review status: criteria provided, single submitter. Criteria: Invitae Variant Classification Sherloc (09022015). Collection method: clinical testing. Allele origin: germline.
Comment: This sequence change replaces glycine, which is neutral and non-polar, with arginine, which is basic and polar, at codon 315 of the PCGF2 protein (p.Gly315Arg). This variant is not present in population databases (gnomAD no frequency). This variant has not been reported in the literature in individuals affected with PCGF2-related conditions. An algorithm developed to predict the effect of missense changes on protein structure and function (PolyPhen-2) suggests that this variant is likely to be disruptive. In summary, the available evidence is currently insufficient to determine the role of this variant in disease. Therefore, it has been classified as a Variant of Uncertain Significance.